The following is an entry in ClinVar:

ClinVar aggregate classification (germline): Uncertain significance (1 of 4 stars; one submission).

Conditions:
Emery-Dreifuss muscular dystrophy 5, autosomal dominant (EDMD5). Also called: EMERY-DREIFUSS MUSCULAR DYSTROPHY 5. Identifiers: Orphanet 261, MedGen C2751805, MONDO:0013072, OMIM 612999.

gnomAD v4.1: 27 of 1,613,760 alleles (0.0017%); highest among the groups gnomAD compares: Non-Finnish European, 0.0022%; no homozygotes.

Submission:

Labcorp Genetics (formerly Invitae), Labcorp
Classification: Uncertain significance for Emery-Dreifuss muscular dystrophy 5, autosomal dominant. Last evaluated: 2024-12-10. Review status: criteria provided, single submitter. Criteria: Invitae Variant Classification Sherloc (09022015). Collection method: clinical testing. Allele origin: germline.
Comment: This sequence change replaces arginine, which is basic and polar, with serine, which is neutral and polar, at codon 596 of the SYNE2 protein (p.Arg596Ser). This variant is present in population databases (no rsID available, gnomAD 0.0009%). This variant has not been reported in the literature in individuals affected with SYNE2-related conditions. ClinVar contains an entry for this variant (Variation ID: 2900704). An algorithm developed to predict the effect of missense changes on protein structure and function (PolyPhen-2) suggests that this variant is likely to be tolerated. Algorithms developed to predict the effect of sequence changes on RNA splicing suggest that this variant may disrupt the consensus splice site. In summary, the available evidence is currently insufficient to determine the role of this variant in disease. Therefore, it has been classified as a Variant of Uncertain Significance.

NM_182914.3(SYNE2):c.1786C>A (p.Arg596Ser)

Gene: SYNE2 (spectrin repeat containing nuclear envelope protein 2; plus strand). Cytogenetic location: 14q23.2.
Variant type: single nucleotide variant.
Coding change: c.1786C>A on transcript NM_182914.3 (MANE Select); coding-DNA position 1786, C replaced by A.
Protein change: p.Arg596Ser; replaces arginine 596 with serine.
Molecular consequence: missense variant.
Genome position (GRCh38, 1-based): chr14:63,981,123, C>A. VCF-style: chr14-63981123-C-A. GRCh37 (hg19) VCF-style: chr14-64447841-C-A.
Other names: c.1786C>A, p.Arg596Ser (NM_015180.6); short protein forms R596S.
Identifiers: ClinVar variation 2900704 (VCV002900704.3), dbSNP rs761087743, ClinGen allele CA389960897.